The following is an entry in ClinVar:

NM_012210.4(TRIM32):c.30C>G (p.Asn10Lys)

Genes: ASTN2 (astrotactin 2; minus strand), TRIM32 (tripartite motif containing 32; plus strand). Cytogenetic location: 9q33.1.
Variant type: single nucleotide variant.
Coding change: c.30C>G on transcript NM_012210.4 (MANE Select); coding-DNA position 30, C replaced by G.
Protein change: p.Asn10Lys; replaces asparagine 10 with lysine.
Molecular consequence: missense variant. On other transcripts: intron variant (3).
Genome position (GRCh38, 1-based): chr9:116,697,772, C>G. VCF-style: chr9-116697772-C-G. GRCh37 (hg19) VCF-style: chr9-119460051-C-G.
Other names: c.30C>G, p.Asn10Lys (NM_001099679.2, NM_001379048.1, NM_001379049.1 and 1 more transcripts); c.2653+27999G>C (NM_014010.5); c.2794+27999G>C (NM_001365069.1); c.2806+27999G>C (NM_001365068.1); short protein forms N10K.
Identifiers: ClinVar variation 4998228 (VCV004998228.1).

ClinVar aggregate classification (germline): Uncertain significance (1 of 4 stars; one submission).

Conditions:
TRIM32-related disorder. Also called: TRIM32-related condition.

Submission:

PreventionGenetics, part of Exact Sciences
Classification: Uncertain significance for TRIM32-related condition. Last evaluated: 2024-11-27. Review status: criteria provided, single submitter. Criteria: ACMG Guidelines, 2015. Collection method: clinical testing. Allele origin: germline.
Comment: The TRIM32 c.30C>G variant is predicted to result in the amino acid substitution p.Asn10Lys. To our knowledge, this variant has not been reported in the literature or in a large population database (gnomAD), indicating this variant is rare. At this time, the clinical significance of this variant is uncertain due to the absence of conclusive functional and genetic evidence.